The following is an entry in ClinVar:

ClinVar aggregate classification (germline): Uncertain significance (1 of 4 stars; one submission).

Conditions:
Charcot-Marie-Tooth disease type 2R. Also called: CHARCOT-MARIE-TOOTH DISEASE, AXONAL, AUTOSOMAL RECESSIVE, TYPE 2R; Charcot-Marie-Tooth disease, axonal, type 2R; CHARCOT-MARIE-TOOTH NEUROPATHY, TYPE 2R. Identifiers: Orphanet 397968, MedGen C3809655, MONDO:0014208, OMIM 615490.

Allele frequency attached by ClinVar (database versions not stated): gnomAD exomes 0.00001; TOPMed 0.00001.
gnomAD v4.1: 17 of 1,600,696 alleles (0.0011%); highest among the groups gnomAD compares: Non-Finnish European, 0.0015%; no homozygotes.

Submission:

Labcorp Genetics (formerly Invitae), Labcorp
Classification: Uncertain significance for Charcot-Marie-Tooth disease type 2R. Last evaluated: 2022-09-23. Review status: criteria provided, single submitter. Criteria: Invitae Variant Classification Sherloc (09022015). Collection method: clinical testing. Allele origin: germline.
Comment: In summary, the available evidence is currently insufficient to determine the role of this variant in disease. Therefore, it has been classified as a Variant of Uncertain Significance. Variants that disrupt the consensus splice site are a relatively common cause of aberrant splicing (PMID: 17576681, 9536098). Algorithms developed to predict the effect of sequence changes on RNA splicing suggest that this variant is not likely to affect RNA splicing. This variant has not been reported in the literature in individuals affected with TRIM2-related conditions. This variant is present in population databases (no rsID available, gnomAD 0.0009%). This sequence change falls in intron 4 of the TRIM2 gene. It does not directly change the encoded amino acid sequence of the TRIM2 protein. It affects a nucleotide within the consensus splice site.

Literature cited by the submitters: PubMed 17576681; PubMed 9536098.

NM_015271.5(TRIM2):c.605+3G>A

Gene: TRIM2 (tripartite motif containing 2; plus strand). Cytogenetic location: 4q31.3.
Variant type: single nucleotide variant.
Coding change: c.605+3G>A on transcript NM_015271.5 (MANE Select); 3 bases into the intron after coding-DNA position 605, G replaced by A.
Molecular consequence: intron variant.
Genome position (GRCh38, 1-based): chr4:153,293,136, G>A. VCF-style: chr4-153293136-G-A. GRCh37 (hg19) VCF-style: chr4-154214288-G-A.
Other names: c.524+3G>A (NM_001375517.1, NM_001375514.1, NM_001351056.2 and 5 more transcripts); c.266+3G>A (NM_001375525.1, NM_001375523.1, NM_001375522.1); c.149+3G>A (NM_001351057.2); c.698+3G>A (NM_001375488.1); c.605+3G>A (NM_001375490.1); c.454-2177G>A (NM_001375519.1); c.695+3G>A (NM_001375489.1); c.602+3G>A (NM_001375491.1); and 3 more.
Identifiers: ClinVar variation 1928665 (VCV001928665.5), dbSNP rs1438041766, ClinGen allele CA555575849.